The following is an entry in ClinVar:

NC_000011.9:g.(?_17464257)_(17464869_?)del

Gene: ABCC8 (ATP binding cassette subfamily C member 8; minus strand). Cytogenetic location: 11p15.1.
Variant type: Deletion.
Identifiers: ClinVar variation 2422958 (VCV002422958.3).

ClinVar aggregate classification (germline): Pathogenic (1 of 4 stars; one submission).

Submission:

Labcorp Genetics (formerly Invitae), Labcorp
Classification: Pathogenic. Last evaluated: 2022-07-25. Review status: criteria provided, single submitter. Criteria: Invitae Variant Classification Sherloc (09022015). Collection method: clinical testing. Allele origin: germline.
Comment: This variant is a gross deletion of the genomic region encompassing exon(s) 9-10 of the ABCC8 gene. This deletion is out-of-frame, and is expected to create a premature termination codon and result in an absent or disrupted protein product. Loss-of-function variants in ABCC8 are known to be pathogenic (PMID: 20685672, 23345197). A similar copy number variant has been observed in individual(s) with familial hyperinsulinism (PMID: 16429405). This variant is also known as c.1332+4438_1631-9207del. For these reasons, this variant has been classified as Pathogenic.

Literature cited by the submitters: PubMed 20685672; PubMed 23345197; PubMed 16429405.